The following is an entry in ClinVar:

NM_006231.4(POLE):c.5130_5146delinsACTGTTGATC (p.Asp1710fs)

Gene: POLE (DNA polymerase epsilon, catalytic subunit; minus strand). Cytogenetic location: 12q24.33.
Variant type: Indel.
Coding change: c.5130_5146delinsACTGTTGATC on transcript NM_006231.4 (MANE Select); coding-DNA positions 5130 to 5146, CCAAGCCACTGTTGAGA replaced by ACTGTTGATC.
Protein change: p.Asp1710fs; shifts the reading frame from aspartic acid 1710.
Molecular consequence: frameshift variant.
Genome position (GRCh38, 1-based): chr12:132,642,204-132,642,220, TCTCAACAGTGGCTTGG replaced by GATCAACAGT on the plus strand (CCAAGCCACTGTTGAGA replaced by ACTGTTGATC on the coding strand, the reverse complement: POLE is on the minus strand). VCF-style: chr12-132642204-TCTCAACAGTGGCTTGG-GATCAACAGT. GRCh37 (hg19) VCF-style: chr12-133218790-TCTCAACAGTGGCTTGG-GATCAACAGT.
Other names: short protein forms D1710fs.
Identifiers: ClinVar variation 5027105 (VCV005027105.1).

ClinVar aggregate classification (germline): Uncertain significance (1 of 4 stars; one submission).

Conditions:
Hereditary cancer-predisposing syndrome. Also called: Neoplastic Syndromes, Hereditary; Tumor predisposition; Hereditary neoplastic syndrome; Hereditary Cancer Syndrome. Identifiers: Orphanet 140162, MedGen C0027672, MeSH D009386, MONDO:0015356.

Submission:

Ambry Genetics
Classification: Uncertain significance for Hereditary cancer-predisposing syndrome. Last evaluated: 2026-08-12. Review status: criteria provided, single submitter. Criteria: Ambry Variant Classification Scheme 2023. Collection method: clinical testing. Allele origin: germline.
Comment: The c.5130_5146del17ins10 variant, located in coding exon 38 of the POLE gene, results from the deletion of 17 nucleotides and insertion of 10 nucleotides causing a translational frameshift with a predicted alternate stop codon (p.D1710Efs*49). This variant is expected to result in loss of function by premature protein truncation or nonsense-mediated mRNA decay. Although biallelic loss of function of POLE has been associated with autosomal recessive POLE deficiency, haploinsufficiency of POLE has not been established as a mechanism of disease for POLE-related polymerase proofreading-associated polyposis (PPAP) and POLE-related CMMRD-like syndrome. Based on the supporting evidence, this variant is expected to be causative of POLE deficiency when present along with a second pathogenic variant on the other allele; however, its clinical significance for PPAP and POLE-related CMMRD-like syndrome is unclear.